The following is an entry in ClinVar:

ClinVar aggregate classification (germline): Uncertain significance (1 of 4 stars; one submission).

Submission:

Women's Health and Genetics/Laboratory Corporation of America, LabCorp
Classification: Uncertain significance. Last evaluated: 2024-07-23. Review status: criteria provided, single submitter. Criteria: LabCorp Variant Classification Summary - May 2015. Collection method: clinical testing. Allele origin: germline.
Comment: Variant summary: The variant involves the duplication of exons 2-31 in the USP7 gene. A presumed nomenclature of c.(79+1_80-1)_(*1902_?)dup has been designated for the purposes of this classification. The exact breakpoint at the 3' end of this variant is unknown, therefore this duplication may extend downstream of the annotated region of the gene. As it duplicates the termination codon, its effect on the encoded protein is unknown. The variant was absent in 21482 control chromosomes. The available data on variant occurrences in the general population are insufficient to allow any conclusion about variant significance. To our knowledge, no occurrence of c.(79+1_80-1)_(*1902_?)dup in individuals affected with Hao-Fountain Syndrome and no experimental evidence demonstrating its impact on protein function have been reported. No submitters have cited clinical-significance assessments for this variant to ClinVar. Based on the evidence outlined above, the variant was classified as uncertain significance.

NC_000016.9:g.(?_8985953)_(9024255_9057063)dup

Gene: USP7 (ubiquitin specific peptidase 7; minus strand). Cytogenetic location: 16p13.2.
Variant type: Duplication.
Identifiers: ClinVar variation 3339397 (VCV003339397.1).